The following is an entry in ClinVar:

ClinVar aggregate classification (germline): Benign. Review status: criteria provided, multiple submitters, no conflicts (2 of 4 stars). 6 submissions from 6 submitters: Benign (6). Last evaluated 2026-02-01.

Conditions:
Doyne honeycomb retinal dystrophy (DHRD). Also called: DOYNE HONEYCOMB DEGENERATION OF RETINA; MALATTIA LEVENTINESE; DRUSEN, RADIAL, AUTOSOMAL DOMINANT. Identifiers: Orphanet 75376, MedGen C1832174, MONDO:0007471, OMIM 126600.

Allele frequency attached by ClinVar (database versions not stated): 1000 Genomes Project 30x 0.01811; gnomAD 0.01837 and 0.02022; TOPMed 0.01896; 1000 Genomes Project 0.01937; ESP Exome Variant Server 0.02030; gnomAD exomes 0.02808 and 0.02853; ExAC 0.02826.

Submissions (6):

Labcorp Genetics (formerly Invitae), Labcorp
Classification: Benign. Last evaluated: 2026-02-01. Review status: criteria provided, single submitter. Criteria: Invitae Variant Classification Sherloc (09022015). Collection method: clinical testing. Allele origin: germline.

Genome-Nilou Lab
Classification: Benign for Doyne honeycomb retinal dystrophy. Last evaluated: 2021-05-18. Review status: criteria provided, single submitter. Criteria: ACMG Guidelines, 2015. Collection method: clinical testing. Allele origin: germline. Affected: no.

GeneDx
Classification: Benign. Last evaluated: 2018-11-11. Review status: criteria provided, single submitter. Criteria: GeneDx Variant Classification Process June 2021. Collection method: clinical testing. Allele origin: germline. Affected: yes.

Illumina Laboratory Services, Illumina
Classification: Benign for Doyne honeycomb retinal dystrophy. Last evaluated: 2018-01-12. Review status: criteria provided, single submitter. Criteria: ICSL Variant Classification Criteria 13 December 2019. Collection method: clinical testing. Allele origin: germline.
Comment: This variant was observed in the ICSL laboratory as part of a predisposition screen in an ostensibly healthy population. It had not been previously curated by ICSL or reported in the Human Gene Mutation Database (HGMD: prior to June 1st, 2018), and was therefore a candidate for classification through an automated scoring system. Utilizing variant allele frequency, disease prevalence and penetrance estimates, and inheritance mode, an automated score was calculated to assess if this variant is too frequent to cause the disease. Based on the score and internal cut-off values, a variant classified as benign is not then subjected to further curation. The score for this variant resulted in a classification of benign for this disease.

Eurofins Ntd Llc (ga)
Classification: Benign. Last evaluated: 2013-08-14. Review status: criteria provided, single submitter. Criteria: EGL Classification Definitions 2015. Collection method: clinical testing. Allele origin: germline. Observed: 1 variant allele, 1 heterozygote.

Breakthrough Genomics
Classification: Benign. Review status: criteria provided, single submitter. Criteria: ACMG Guidelines, 2015. Collection method: not provided. Allele origin: germline. Inheritance: Autosomal dominant inheritance. Affected: yes.

NM_001039348.3(EFEMP1):c.387A>G (p.Glu129=)

Gene: EFEMP1 (EGF-like fibulin extracellular matrix protein 1; minus strand). Cytogenetic location: 2p16.1.
Variant type: single nucleotide variant.
Coding change: c.387A>G on transcript NM_001039348.3 (MANE Select); coding-DNA position 387, A replaced by G.
Protein change: p.Glu129=; no amino-acid change (glutamic acid 129 retained).
Molecular consequence: synonymous variant.
Genome position (GRCh38, 1-based): chr2:55,917,795, T>C on the plus strand (A>G on the coding strand, the complement: EFEMP1 is on the minus strand). VCF-style: chr2-55917795-T-C. GRCh37 (hg19) VCF-style: chr2-56144930-T-C.
Other names: c.387A>G, p.Glu129= (NM_001039349.3).
Identifiers: ClinVar variation 93482 (VCV000093482.23), dbSNP rs14282, ClinGen allele CA147003.